The following is an entry in ClinVar:

NM_002693.3(POLG):c.3428A>G (p.Glu1143Gly)

Gene: POLG (DNA polymerase gamma, catalytic subunit; minus strand). Cytogenetic location: 15q26.1.
Variant type: single nucleotide variant.
Coding change: c.3428A>G on transcript NM_002693.3 (MANE Select); coding-DNA position 3428, A replaced by G.
Protein change: p.Glu1143Gly; replaces glutamic acid 1143 with glycine.
Molecular consequence: missense variant.
Genome position (GRCh38, 1-based): chr15:89,318,595, T>C on the plus strand (A>G on the coding strand, the complement: POLG is on the minus strand). VCF-style: chr15-89318595-T-C. GRCh37 (hg19) VCF-style: chr15-89861826-T-C.
Other names: c.3428A>G, p.Glu1143Gly (NM_001126131.2); short protein forms E1143G.
Identifiers: ClinVar variation 21312 (VCV000021312.58), dbSNP rs2307441, ClinGen allele CA248706.

ClinVar aggregate classification (germline): Benign. Review status: reviewed by expert panel (3 of 4 stars). 24 submissions from 24 submitters: Benign (1). 23 of the submissions do not count toward it. Last evaluated 2021-05-06.

Conditions:
Association with valproate-induced liver toxicity.
POLG-related disorder. Also called: POLG-Related Spectrum Disorders; POLG-related condition; POLG-Related Disorders. Identifiers: MedGen C4763519.
Sensory ataxic neuropathy, dysarthria, and ophthalmoparesis (SANDO). Also called: Epilepsy, progressive myoclonic, type 5; Sensory ataxic neuropathy-dysarthria-ophthalmoparesis syndrome; SENSORY ATAXIC NEUROPATHY WITH MITOCHONDRIAL DNA DELETIONS, AUTOSOMAL RECESSIVE; Ataxia Neuropathy Spectrum (ANS). Identifiers: Orphanet 70595, MedGen C1843851, MONDO:0011835, OMIM 607459.
Mitochondrial DNA depletion syndrome 4b. Also called: MNGIE, POLG-RELATED; Mitochondrial Neurogastrointestinal Encephalopathy Disease, POLG-Related. Identifiers: Orphanet 298, MedGen C3150914, MONDO:0013350, OMIM 613662.
Progressive external ophthalmoplegia with mitochondrial DNA deletions, autosomal recessive 1 (PEOB1). Also called: Autosomal Recessive Progressive External Ophthalmoplegia (arPEO); Progressive external ophthalmoplegia, autosomal recessive 1. Identifiers: Orphanet 254886, MedGen C4225153, MONDO:0009783, OMIM 258450.
Mitochondrial DNA depletion syndrome 1. Also called: Mitochondrial DNA depletion syndrome 1 (MNGIE type); Mitochondrial DNA Depletion Syndrome, MNGIE Form; MITOCHONDRIAL NEUROGASTROINTESTINAL ENCEPHALOPATHY SYNDROME, TYMP-RELATED; MNGIE, TYMP-RELATED; Mitochondrial neurogastrointestinal encephalomyopathy syndrome; POLIP SYNDROME. Identifiers: Orphanet 298, MedGen C4551995, MONDO:0011283, OMIM 603041.
Progressive sclerosing poliodystrophy (MTDPS4A). Also called: NEURONAL DEGENERATION OF CHILDHOOD WITH LIVER DISEASE, PROGRESSIVE; ALPERS DIFFUSE DEGENERATION OF CEREBRAL GRAY MATTER WITH HEPATIC CIRRHOSIS; Alpers-Huttenlocher Syndrome; ALPERS PROGRESSIVE INFANTILE POLIODYSTROPHY; Alpers-Huttenlocher Syndrome (AHS); Alpers Syndrome. Identifiers: Orphanet 726, MedGen C0205710, MONDO:0008758, OMIM 203700.
Progressive external ophthalmoplegia with mitochondrial DNA deletions, autosomal dominant 1 (PEOA1). Also called: PROGRESSIVE EXTERNAL OPHTHALMOPLEGIA, AUTOSOMAL DOMINANT 1; Autosomal Dominant Progressive External Ophthalmoplegia (adPEO). Identifiers: MedGen C1834846, MONDO:0024528, OMIM 157640.
Inborn genetic diseases. Identifiers: MedGen C0950123, MeSH D030342.
Mitochondrial disease. Also called: Mitochondrial disorder; Mitochondrial disorders. Identifiers: Orphanet 68380, MedGen C0751651, MeSH D028361, MONDO:0044970.
Hereditary spastic paraplegia. Also called: Familial spastic paraparesis. Identifiers: Orphanet 685, MedGen C0037773, MONDO:0019064. Disease mechanism: loss of function.

Allele frequency attached by ClinVar (database versions not stated): gnomAD 0.02704 and 0.02669; ESP Exome Variant Server 0.02754; gnomAD exomes 0.03833 and 0.02873; 1000 Genomes Project 30x 0.00984; TOPMed 0.02426; ExAC 0.02813; 1000 Genomes Project 0.01138.
gnomAD v4.1: 60,079 of 1,614,076 alleles (3.7%); highest among the groups gnomAD compares: Non-Finnish European, 4.3%; 1,410 homozygotes.

Submissions 1 to 13 of 24:

ClinGen Mitochondrial Disease Nuclear and Mitochondrial  Variant Curation Expert Panel, ClinGen
Classification: Benign for Mitochondrial disease. Last evaluated: 2021-05-06. Review status: reviewed by expert panel. Criteria: ClinGen Mito Disease ACMG Specifications v1. Collection method: curation. Allele origin: germline. Inheritance: Autosomal recessive inheritance.
Comment: The c.3428A>G (p.E1143G) variant in POLG has been reported 2.881 % in gnomAD (BA1). It is also seen in the homozygous state in 175 individuals in gnomAD and 65 in ExAC (BS2). In summary, this variant meets criteria to be classified as benign for primary mitochondrial disease inherited in a recessive manner. ntDNA Mitochondrial ACMG-AMP Criteria for POLG applied: BA1 & BS2.

Labcorp Genetics (formerly Invitae), Labcorp
Classification: Benign for Progressive sclerosing poliodystrophy. Last evaluated: 2026-02-04. Review status: criteria provided, single submitter. Criteria: Invitae Variant Classification Sherloc (09022015). Collection method: clinical testing. Allele origin: germline. Not counted in ClinVar's aggregate classification.

ARUP Laboratories, Molecular Genetics and Genomics, ARUP Laboratories
Classification: Benign. Last evaluated: 2025-04-16. Review status: criteria provided, single submitter. Criteria: ARUP Molecular Germline Variant Investigation Process 2024. Collection method: clinical testing. Allele origin: germline. Not counted in ClinVar's aggregate classification.

Blueprint Genetics
Classification: Likely benign. Last evaluated: 2024-11-27. Review status: criteria provided, single submitter. Criteria: ACMG Guidelines, 2015. Collection method: clinical testing. Allele origin: germline. Not counted in ClinVar's aggregate classification.

Women's Health and Genetics/Laboratory Corporation of America, LabCorp
Classification: Benign. Last evaluated: 2022-11-29. Review status: criteria provided, single submitter. Criteria: LabCorp Variant Classification Summary - May 2015. Collection method: clinical testing. Allele origin: germline. Not counted in ClinVar's aggregate classification.
Comment: Variant summary: POLG c.3428A>G (p.Glu1143Gly) results in a non-conservative amino acid change located in the palm domain (IPR001098) of the encoded protein sequence. Five of five in-silico tools predict a damaging effect of the variant on protein function. The variant allele was found at a frequency of 0.029 in 251414 control chromosomes in the gnomAD database, including 156 homozygotes, strongly suggesting that the variant is benign. c.3428A>G has been reported in the literature in cis with a pathogenic variant in individuals affected with POLG-Related Spectrum Disorders, indicating that it is likely benign and not the cause of the disease phenotype (e.g. Ferrari_2005, Horvath_2006). At least one publication reports experimental evidence evaluating an impact on protein function and the results showed no damaging effect of this variant on polymerase activity (e.g. Chan_2006). Thirteen submitters have provided clinical-significance assessments for this variant to ClinVar after 2014. All classified the variant as either benign (n= 9) or likely benign (n=4). Based on the evidence outlined above, the variant was classified as benign.

Genome Diagnostics Laboratory, The Hospital for Sick Children
Classification: Benign for Hereditary spastic paraplegia. Last evaluated: 2021-08-29. Review status: criteria provided, single submitter. Criteria: ACMG Guidelines, 2015. Collection method: clinical testing. Allele origin: germline. Affected: yes. Not counted in ClinVar's aggregate classification.

Fulgent Genetics
Classification: Benign for Progressive external ophthalmoplegia with mitochondrial DNA deletions, autosomal dominant 1; Progressive sclerosing poliodystrophy; Progressive external ophthalmoplegia with mitochondrial DNA deletions, autosomal recessive 1; Mitochondrial DNA depletion syndrome 1; Sensory ataxic neuropathy, dysarthria, and ophthalmoparesis; Mitochondrial DNA depletion syndrome 4b. Last evaluated: 2021-08-03. Review status: criteria provided, single submitter. Criteria: ACMG Guidelines, 2015. Collection method: clinical testing. Allele origin: unknown. Not counted in ClinVar's aggregate classification.

Wong Mito Lab, Molecular and Human Genetics, Baylor College of Medicine
Classification: Benign for Progressive sclerosing poliodystrophy. Last evaluated: 2018-10-01. Review status: criteria provided, single submitter. Criteria: ACMG Guidelines, 2015. Collection method: clinical testing. Allele origin: germline. Not counted in ClinVar's aggregate classification.
Comment: The NM_002693.2:c.3428A>G (NP_002684.1:p.Glu1143Gly) [GRCH38: NC_000015.10:g.89318595T>C] variant in POLG gene is interpretated to be a Benign based on ACMG guidelines (PMID: 25741868). This variant meets the following evidence codes reported in the ACMG-guideline. BS1:The minor allele frequency of this allele is high for Mitochondrial DNA depletion syndrome 4A (Alpers type). BS2:Observation of the variant in controls is inconsistent with penetrance of Mitochondrial DNA depletion syndrome 4A (Alpers type). Based on the evidence criteria codes applied, the variant is suggested to be Benign.

Athena Diagnostics
Classification: Benign. Last evaluated: 2018-07-26. Review status: criteria provided, single submitter. Criteria: Athena Diagnostics Criteria. Collection method: clinical testing. Allele origin: germline. Not counted in ClinVar's aggregate classification.

Illumina Laboratory Services, Illumina
Classification: Likely benign for POLG-Related Spectrum Disorders. Last evaluated: 2017-04-27. Review status: criteria provided, single submitter. Criteria: ICSL Variant Classification Criteria 13 December 2019. Collection method: clinical testing. Allele origin: germline. Not counted in ClinVar's aggregate classification.
Comment: This variant was observed as part of a predisposition screen in an ostensibly healthy population. A literature search was performed for the gene, cDNA change, and amino acid change (where applicable). No publications were found based on this search. Allele frequency data from public databases allowed determination this variant is unlikely to cause disease. Therefore, this variant is classified as likely benign.

Laboratory for Molecular Medicine, Mass General Brigham Personalized Medicine
Classification: Likely benign. Last evaluated: 2016-03-28. Review status: criteria provided, single submitter. Criteria: LMM Criteria. Collection method: clinical testing. Allele origin: germline. Not counted in ClinVar's aggregate classification.
Comment: Variant identified in a genome or exome case(s) and assessed due to predicted null impact of the variant or pathogenic assertions in the literature or databases. Disclaimer: This variant has not undergone full assessment. The following are preliminary notes: Frequency in 1000Genomes: 37/2178=1.6%

Ambry Genetics
Classification: Benign for Inborn genetic diseases. Last evaluated: 2016-03-21. Review status: criteria provided, single submitter. Criteria: Ambry Variant Classification Scheme 2023. Collection method: clinical testing. Allele origin: germline. Not counted in ClinVar's aggregate classification.

Genomic Diagnostic Laboratory, Division of Genomic Diagnostics, Children's Hospital of Philadelphia
Classification: Benign. Last evaluated: 2015-04-17. Review status: criteria provided, single submitter. Criteria: DGD Variant Analysis Guidelines. Collection method: clinical testing. Allele origin: unknown. Not counted in ClinVar's aggregate classification.